The following is an entry in ClinVar:

NM_001283009.2(RTEL1):c.3310A>G (p.Thr1104Ala)

Genes: RTEL1 (regulator of telomere elongation helicase 1; plus strand), RTEL1-TNFRSF6B (RTEL1-TNFRSF6B readthrough (NMD candidate); plus strand). Cytogenetic location: 20q13.33.
Variant type: single nucleotide variant.
Coding change: c.3310A>G on transcript NM_001283009.2 (MANE Select); coding-DNA position 3310, A replaced by G.
Protein change: p.Thr1104Ala; replaces threonine 1104 with alanine.
Molecular consequence: missense variant. On other transcripts: non-coding transcript variant (1).
Genome position (GRCh38, 1-based): chr20:63,694,941, A>G. VCF-style: chr20-63694941-A-G. GRCh37 (hg19) VCF-style: chr20-62326294-A-G.
Other names: c.2641A>G, p.Thr881Ala (NM_001283010.1); c.3310A>G, p.Thr1104Ala (NM_016434.4); c.3382A>G, p.Thr1128Ala (NM_032957.5); short protein forms T881A, T1104A, T1128A.
Identifiers: ClinVar variation 3791088 (VCV003791088.1).
Genomic context (GRCh38, chr20:63,694,941, plus strand): 5'-ACAGCCTATAAGCAAGACGACGACCTCGACAAGGTGCTGGCTGTGTTGGCCGCCCTGACC[A>G]CTGCAAAGCCAGAGGACTTCCCCCTGCTGCACAGCAAGTGGCCCTGGCGTGGGGAACAGC-3'
Protein context (NP_001269938.1, residues 1094-1114): KVLAVLAALT[Thr1104Ala]AKPEDFPLLH

ClinVar aggregate classification (germline): Uncertain significance (1 of 4 stars; one submission).

Conditions:
Inborn genetic diseases. Identifiers: MedGen C0950123, MeSH D030342.

gnomAD v4.1: 3 of 1,612,372 alleles (0.00019%); highest among the groups gnomAD compares: Admixed American, 0.0033%; no homozygotes.

Submission:

Ambry Genetics
Classification: Uncertain significance for Inborn genetic diseases. Last evaluated: 2025-01-23. Review status: criteria provided, single submitter. Criteria: Ambry Variant Classification Scheme 2023. Collection method: clinical testing. Allele origin: germline.
Comment: The p.T1104A variant (also known as c.3310A>G), located in coding exon 31 of the RTEL1 gene, results from an A to G substitution at nucleotide position 3310. The threonine at codon 1104 is replaced by alanine, an amino acid with similar properties. This amino acid position is conserved. In addition, the in silico prediction for this alteration is inconclusive. Based on the available evidence, the clinical significance of this variant remains unclear.